The following is an entry in ClinVar:

NM_001365951.3(KIF1B):c.4827G>T (p.Leu1609Phe)

Gene: KIF1B (kinesin family member 1B; plus strand). Cytogenetic location: 1p36.22.
Variant type: single nucleotide variant.
Coding change: c.4827G>T on transcript NM_001365951.3 (MANE Select); coding-DNA position 4827, G replaced by T.
Protein change: p.Leu1609Phe; replaces leucine 1609 with phenylalanine.
Molecular consequence: missense variant.
Genome position (GRCh38, 1-based): chr1:10,371,143, G>T. VCF-style: chr1-10371143-G-T. GRCh37 (hg19) VCF-style: chr1-10431201-G-T.
Other names: c.4827G>T, p.Leu1609Phe (NM_001365952.1); c.4689G>T, p.Leu1563Phe (NM_015074.3); short protein forms L1563F, L1609F.
Identifiers: ClinVar variation 1742432 (VCV001742432.3), dbSNP rs2521951517, ClinGen allele CA338327108.

ClinVar aggregate classification (germline): Uncertain significance (1 of 4 stars; one submission).

Submission:

Ambry Genetics
Classification: Uncertain significance. Last evaluated: 2025-06-06. Review status: criteria provided, single submitter. Criteria: Ambry Variant Classification Scheme 2023. Collection method: clinical testing. Allele origin: germline.
Comment: The p.L1563F variant (also known as c.4689G>T), located in coding exon 42 of the KIF1B gene, results from a G to T substitution at nucleotide position 4689. The leucine at codon 1563 is replaced by phenylalanine, an amino acid with highly similar properties. This amino acid position is highly conserved in available vertebrate species. In addition, this alteration is predicted to be tolerated by in silico analysis. Since supporting evidence is limited at this time, the clinical significance of this alteration remains unclear.